The following continues an entry in ClinVar:

NM_002709.3(PPP1CB):c.146C>G (p.Pro49Arg)

Gene: PPP1CB. ClinVar aggregate classification (germline): Pathogenic. Pathogenic (1).

Submissions 25 to 35 of 35:

Rady Children's Institute for Genomic Medicine, Rady Children's Hospital San Diego
Classification: Pathogenic for NOONAN SYNDROME-LIKE DISORDER WITH LOOSE ANAGEN HAIR 2. Review status: criteria provided, single submitter. Criteria: ACMG Guidelines, 2015. Collection method: clinical testing. Allele origin: germline. Affected: yes. Not counted in ClinVar's aggregate classification.
Comment: This variant has been previously reported as a de novo heterozygous variant in multiple unrelated individuals with Noonan-like syndrome with loose anagen hair (PMID: 27264673, 27681385, 27868344, 28211982, 31474318). It is absent from the gnomAD population database and thus is presumed to be rare. The c.146C>G (p.Pro49Arg) variant is predicted by multiple in silico tools to have a deleterious effect on protein function. Based on the available evidence, the c.146C>G (p.Pro49Arg) variant is classified as Pathogenic.

Centre de Biologie Pathologie Génétique, Centre Hospitalier Universitaire de Lille
Classification: Pathogenic for Noonan syndrome-like disorder with loose anagen hair 2. Last evaluated: 2019-01-01. Review status: no assertion criteria provided. Collection method: clinical testing. Allele origin: de novo. Affected: yes. Not counted in ClinVar's aggregate classification.

Lupski Lab, Baylor-Hopkins CMG, Baylor College of Medicine
Classification: Likely pathogenic for Noonan syndrome-like disorder with loose anagen hair 2. Last evaluated: 2018-06-29. Review status: no assertion criteria provided. Collection method: research. Allele origin: de novo. Affected: yes. Observed: 1 variant allele. Not counted in ClinVar's aggregate classification.

Coyote Medical Laboratory (Beijing), Coyote
Classification: Pathogenic for Noonan syndrome-like disorder with loose anagen hair 2. Last evaluated: 2018-05-28. Review status: no assertion criteria provided. Collection method: clinical testing. Allele origin: de novo. Inheritance: Autosomal dominant inheritance. Affected: yes. Observed: 1 variant allele. Not counted in ClinVar's aggregate classification.

OMIM
Classification: Pathogenic for NOONAN SYNDROME-LIKE DISORDER WITH LOOSE ANAGEN HAIR 2. Last evaluated: 2017-05-31. Review status: no assertion criteria provided. Collection method: literature only. Allele origin: germline. Not counted in ClinVar's aggregate classification.

Clinical Genetics DNA and cytogenetics Diagnostics Lab, Erasmus MC, Erasmus Medical Center
Classification: Pathogenic. Review status: no assertion criteria provided. Collection method: clinical testing. Allele origin: germline. Affected: yes. Study: VKGL Data-share Consensus. Not counted in ClinVar's aggregate classification.

Diagnostic Laboratory, Department of Genetics, University Medical Center Groningen
Classification: Pathogenic. Review status: no assertion criteria provided. Collection method: clinical testing. Allele origin: germline. Affected: yes. Study: VKGL Data-share Consensus. Not counted in ClinVar's aggregate classification.

Joint Genome Diagnostic Labs from Nijmegen and Maastricht, Radboudumc and MUMC+
Classification: Pathogenic. Review status: no assertion criteria provided. Collection method: clinical testing. Allele origin: germline. Affected: yes. Study: VKGL Data-share Consensus. Not counted in ClinVar's aggregate classification.

Laboratory of Diagnostic Genome Analysis, Leiden University Medical Center (LUMC)
Classification: Pathogenic. Review status: no assertion criteria provided. Collection method: clinical testing. Allele origin: germline. Affected: yes. Study: VKGL Data-share Consensus. Not counted in ClinVar's aggregate classification.

Service de Génétique Moléculaire, Hôpital Robert Debré
Classification: Pathogenic for Noonan syndrome. Review status: no assertion criteria provided. Collection method: clinical testing. Allele origin: de novo. Affected: yes. Not counted in ClinVar's aggregate classification.

University of Washington Center for Mendelian Genomics, University of Washington
Classification: Likely pathogenic for Dandy-Walker malformation. Review status: no assertion criteria provided. Collection method: research. Allele origin: de novo. Affected: yes. Not counted in ClinVar's aggregate classification.

Literature cited by the submitters: PubMed 27264673 (cited by 8 submitters); PubMed 27681385 (cited by 8 submitters); PubMed 27868344 (cited by 6 submitters); PubMed 28211982 (cited by 6 submitters); PubMed 26446362 (cited by Centro Nacional de Genética Medica, Administración Nacional de Laboratorios e Institutos de Salud (ANLIS) “Dr. Carlos G Malbrán”); PubMed 23875798 (cited by Centro Nacional de Genética Medica, Administración Nacional de Laboratorios e Institutos de Salud (ANLIS) “Dr. Carlos G Malbrán”); PubMed 16630891 (cited by Centro Nacional de Genética Medica, Administración Nacional de Laboratorios e Institutos de Salud (ANLIS) “Dr. Carlos G Malbrán”); PubMed 33491856 (cited by Dasa and Victorian Clinical Genetics Services, Murdoch Childrens Research Institute); PubMed 29493581 (cited by Dasa); PubMed 31370276 (cited by Ambry Genetics); PubMed 31785789 (cited by Ambry Genetics); PubMed 30348783 (cited by Victorian Clinical Genetics Services, Murdoch Childrens Research Institute); DOI 10.1002/ajmg.a.62733 (cited by Department of Endocrinology and Genetics, Fuzhou Children’s Hospital of Fujian Medical University); PubMed 31474318 (cited by University of Washington Center for Mendelian Genomics, University of Washington).